The following is an entry in ClinVar:

ClinVar aggregate classification (germline): Uncertain significance (1 of 4 stars; one submission).

gnomAD v4.1: 2 of 1,613,508 alleles (0.00012%); highest among the groups gnomAD compares: Non-Finnish European, 0.00017%; no homozygotes.

Submission:

GeneDx
Classification: Uncertain significance. Last evaluated: 2026-02-19. Review status: criteria provided, single submitter. Criteria: GeneDx Variant Classification Process June 2021. Collection method: clinical testing. Allele origin: germline.
Comment: In silico analysis supports that this missense variant has a deleterious effect on protein structure/function; Has not been previously published as pathogenic or benign to our knowledge

NM_012308.3(KDM2A):c.152C>T (p.Ala51Val)

Gene: KDM2A (lysine demethylase 2A; plus strand). Cytogenetic location: 11q13.2.
Variant type: single nucleotide variant.
Coding change: c.152C>T on transcript NM_012308.3 (MANE Select); coding-DNA position 152, C replaced by T.
Protein change: p.Ala51Val; replaces alanine 51 with valine.
Molecular consequence: missense variant. On other transcripts: non-coding transcript variant (1).
Genome position (GRCh38, 1-based): chr11:67,180,188, C>T. VCF-style: chr11-67180188-C-T. GRCh37 (hg19) VCF-style: chr11-66947659-C-T.
Other names: short protein forms A51V.
Identifiers: ClinVar variation 5009749 (VCV005009749.1).